The following is an entry in ClinVar:

ClinVar aggregate classification (germline): Uncertain significance. Review status: criteria provided, multiple submitters, no conflicts (2 of 4 stars). 3 submissions from 3 submitters: Uncertain significance (3). Last evaluated 2026-08-01.

Conditions:
Charcot-Marie-Tooth disease type 4. Also called: Charcot-Marie-Tooth disease, type IV; Charcot-Marie-Tooth, Type 4. Identifiers: Orphanet 64749, MedGen C4082197, MONDO:0018995.
Inborn genetic diseases. Identifiers: MedGen C0950123, MeSH D030342.

Allele frequency attached by ClinVar (database versions not stated): gnomAD 0.00002; gnomAD exomes 0.00002; TOPMed 0.00002; ExAC 0.00008.
gnomAD v4.1: 35 of 1,545,070 alleles (0.0023%); highest among the groups gnomAD compares: South Asian, 0.0035%; no homozygotes.

Submissions (3):

CeGaT Center for Human Genetics Tuebingen
Classification: Uncertain significance. Last evaluated: 2026-08-01. Review status: criteria provided, single submitter. Criteria: CeGaT Center For Human Genetics Tuebingen Variant Classification Criteria Version 2. Collection method: clinical testing. Allele origin: germline. Affected: yes. Observed: 1 variant allele.
Comment: PRX: PM2

Ambry Genetics
Classification: Uncertain significance for Inborn genetic diseases. Last evaluated: 2025-12-19. Review status: criteria provided, single submitter. Criteria: Ambry Variant Classification Scheme 2023. Collection method: clinical testing. Allele origin: germline.

Labcorp Genetics (formerly Invitae), Labcorp
Classification: Uncertain significance for Charcot-Marie-Tooth disease type 4. Last evaluated: 2022-09-01. Review status: criteria provided, single submitter. Criteria: Invitae Variant Classification Sherloc (09022015). Collection method: clinical testing. Allele origin: germline.
Comment: This sequence change replaces glycine, which is neutral and non-polar, with arginine, which is basic and polar, at codon 276 of the PRX protein (p.Gly276Arg). The frequency data for this variant in the population databases is considered unreliable, as metrics indicate poor data quality at this position in the gnomAD database. This variant has not been reported in the literature in individuals affected with PRX-related conditions. ClinVar contains an entry for this variant (Variation ID: 1026737). Algorithms developed to predict the effect of missense changes on protein structure and function are either unavailable or do not agree on the potential impact of this missense change (SIFT: "Tolerated"; PolyPhen-2: "Probably Damaging"; Align-GVGD: "Class C0"). Algorithms developed to predict the effect of sequence changes on RNA splicing suggest that this variant may create or strengthen a splice site. In summary, the available evidence is currently insufficient to determine the role of this variant in disease. Therefore, it has been classified as a Variant of Uncertain Significance.

NM_181882.3(PRX):c.826G>A (p.Gly276Arg)

Gene: PRX (periaxin; minus strand). Cytogenetic location: 19q13.2.
Variant type: single nucleotide variant.
Coding change: c.826G>A on transcript NM_181882.3 (MANE Select); coding-DNA position 826, G replaced by A.
Protein change: p.Gly276Arg; replaces glycine 276 with arginine.
Molecular consequence: missense variant. On other transcripts: 3 prime UTR variant (1).
Genome position (GRCh38, 1-based): chr19:40,397,526, C>T on the plus strand (G>A on the coding strand, the complement: PRX is on the minus strand). VCF-style: chr19-40397526-C-T. GRCh37 (hg19) VCF-style: chr19-40903433-C-T.
Other names: c.*1031G>A (NM_020956.2); short protein forms G276R.
Identifiers: ClinVar variation 1026737 (VCV001026737.11), dbSNP rs768077877, ClinGen allele CA9444376.
Genomic context (GRCh38, chr19:40,397,526, plus strand): 5'-CCACCTGGGGGACCTGGATTCCCACGGCTGGGGCCTCCACAGCAGGCGGAGCCGGGGCTC[C>T]GAGCCCAAGGGTTGGCAGGTGGAGGGCAAAGCCACCAGCTGCCTCTGCTGAGGGGGCAGC-3'
Protein context (NP_870998.2, residues 266-286): FALHLPTLGL[Gly276Arg]APAPPAVEAP